The following is an entry in ClinVar:

NM_000057.4(BLM):c.3313C>T (p.Pro1105Ser)

Gene: BLM (BLM RecQ like helicase; plus strand). Cytogenetic location: 15q26.1.
Variant type: single nucleotide variant.
Coding change: c.3313C>T on transcript NM_000057.4 (MANE Select); coding-DNA position 3313, C replaced by T.
Protein change: p.Pro1105Ser; replaces proline 1105 with serine.
Molecular consequence: missense variant.
Genome position (GRCh38, 1-based): chr15:90,798,292, C>T. VCF-style: chr15-90798292-C-T. GRCh37 (hg19) VCF-style: chr15-91341522-C-T.
Other names: c.3313C>T, p.Pro1105Ser (NM_001287246.2, NM_001287247.2); c.2188C>T, p.Pro730Ser (NM_001287248.2); short protein forms P1105S, P730S.
Identifiers: ClinVar variation 2452560 (VCV002452560.3), dbSNP rs369142038, ClinGen allele CA274770443.

ClinVar aggregate classification (germline): Uncertain significance. Review status: criteria provided, multiple submitters, no conflicts (2 of 4 stars). 2 submissions from 2 submitters: Uncertain significance (2). Last evaluated 2023-02-03.

Conditions:
Hereditary cancer-predisposing syndrome. Also called: Neoplastic Syndromes, Hereditary; Tumor predisposition; Hereditary neoplastic syndrome; Hereditary Cancer Syndrome. Identifiers: Orphanet 140162, MedGen C0027672, MeSH D009386, MONDO:0015356.

Allele frequency attached by ClinVar (database versions not stated): gnomAD 0.00001.
gnomAD v4.1: 1 of 1,612,734 alleles (0.000062%); highest among the groups gnomAD compares: Admixed American, 0.0017%; no homozygotes.

Submissions (2):

Ambry Genetics
Classification: Uncertain significance for Hereditary cancer-predisposing syndrome. Last evaluated: 2023-02-03. Review status: criteria provided, single submitter. Criteria: Ambry Variant Classification Scheme 2023. Collection method: clinical testing. Allele origin: germline.
Comment: The p.P1105S variant (also known as c.3313C>T), located in coding exon 16 of the BLM gene, results from a C to T substitution at nucleotide position 3313. The proline at codon 1105 is replaced by serine, an amino acid with similar properties. This amino acid position is conserved. In addition, this alteration is predicted to be tolerated by in silico analysis. Since supporting evidence is limited at this time, the clinical significance of this alteration remains unclear.

GeneDx
Classification: Uncertain significance. Last evaluated: 2022-10-27. Review status: criteria provided, single submitter. Criteria: GeneDx Variant Classification Process June 2021. Collection method: clinical testing. Allele origin: germline. Affected: yes.
Comment: Not observed at significant frequency in large population cohorts (gnomAD); In silico analysis supports that this missense variant does not alter protein structure/function; Has not been previously published as pathogenic or benign to our knowledge